The following is an entry in ClinVar:

NM_152703.5(SAMD9L):c.3483A>T (p.Arg1161Ser)

Gene: SAMD9L (sterile alpha motif domain containing 9 like; minus strand). Cytogenetic location: 7q21.2.
Variant type: single nucleotide variant.
Coding change: c.3483A>T on transcript NM_152703.5 (MANE Select); coding-DNA position 3483, A replaced by T.
Protein change: p.Arg1161Ser; replaces arginine 1161 with serine.
Molecular consequence: missense variant.
Genome position (GRCh38, 1-based): chr7:93,132,489, T>A on the plus strand (A>T on the coding strand, the complement: SAMD9L is on the minus strand). VCF-style: chr7-93132489-T-A. GRCh37 (hg19) VCF-style: chr7-92761802-T-A.
Other names: c.3483A>T, p.Arg1161Ser (NM_001303496.3, NM_001303497.3, NM_001303498.3 and 5 more transcripts); c.3483A>T (NM_001303497.1, NM_152703.2); short protein forms R1161S.
Identifiers: ClinVar variation 1184720 (VCV001184720.4), dbSNP rs1477737151, ClinGen allele CA368182173.

ClinVar aggregate classification (germline): Uncertain significance. Review status: criteria provided, multiple submitters, no conflicts (2 of 4 stars). 3 submissions from 3 submitters: Uncertain significance (3). Last evaluated 2024-12-06.

Conditions:
Ataxia-pancytopenia syndrome (ATXPC). Also called: SAMD9L Ataxia-Pancytopenia Syndrome; SAMD9L-Related Syndrome. Identifiers: Orphanet 2585, MedGen C1327919, MONDO:0008038, OMIM 159550.
SAMD9L-related disorder. Also called: SAMD9L-related disorders; SAMD9L-related condition.
Inborn genetic diseases. Identifiers: MedGen C0950123, MeSH D030342.

Allele frequency attached by ClinVar (database versions not stated): gnomAD 0.00001.

Submissions (3):

Ambry Genetics
Classification: Uncertain significance for Inborn genetic diseases. Last evaluated: 2024-12-06. Review status: criteria provided, single submitter. Criteria: Ambry Variant Classification Scheme 2023. Collection method: clinical testing. Allele origin: germline.
Comment: The p.R1161S variant (also known as c.3483A>T), located in coding exon 1 of the SAMD9L gene, results from an A to T substitution at nucleotide position 3483. The arginine at codon 1161 is replaced by serine, an amino acid with dissimilar properties. This amino acid position is conserved. In addition, this alteration is predicted to be tolerated by in silico analysis. Based on the available evidence, the clinical significance of this variant remains unclear.

PreventionGenetics, part of Exact Sciences
Classification: Uncertain significance for SAMD9L-related condition. Last evaluated: 2023-02-28. Review status: criteria provided, single submitter. Criteria: ACMG Guidelines, 2015. Collection method: clinical testing. Allele origin: germline.
Comment: The SAMD9L c.3483A>T variant is predicted to result in the amino acid substitution p.Arg1161Ser. To our knowledge, this variant has not been reported in the literature or in a large population database, indicating this variant is rare. At this time, the clinical significance of this variant is uncertain due to the absence of conclusive functional and genetic evidence.

St. Jude Molecular Pathology, St. Jude Children's Research Hospital
Classification: Uncertain significance for Ataxia-pancytopenia syndrome. Last evaluated: 2021-07-26. Review status: criteria provided, single submitter. Criteria: St. Jude Assertion Criteria 2020. Collection method: clinical testing. Allele origin: germline.
Comment: The SAMD9L c.3483A>T (p.Arg1161Ser) missense change is absent in gnomAD v2.1.1 (PM2_supporting). Seven of seven in silico tools predict a benign effect of this variant on protein function (BP4), but to our knowledge these predictions have not been confirmed by functional assays. To our knowledge, this variant has not been reported in individuals with ataxia-pancytopenia syndrome. In summary, this variant meets criteria to be classified as of uncertain significance based on the ACMG/AMP criteria: PM2_supporting, BP4.